The following is an entry in ClinVar:

NM_000359.3(TGM1):c.1267C>T (p.Pro423Ser)

Gene: TGM1 (transglutaminase 1; minus strand). Cytogenetic location: 14q12.
Variant type: single nucleotide variant.
Coding change: c.1267C>T on transcript NM_000359.3 (MANE Select); coding-DNA position 1267, C replaced by T.
Protein change: p.Pro423Ser; replaces proline 423 with serine.
Molecular consequence: missense variant.
Genome position (GRCh38, 1-based): chr14:24,258,566, G>A on the plus strand (C>T on the coding strand, the complement: TGM1 is on the minus strand). VCF-style: chr14-24258566-G-A. GRCh37 (hg19) VCF-style: chr14-24727772-G-A.
Other names: short protein forms P423S.
Identifiers: ClinVar variation 4699611 (VCV004699611.1).
Genomic context (GRCh38, chr14:24,258,566, plus strand): 5'-GCACAGATGGGCAGTCCACCCCAGCTCACCAGACAGAATCATGGTTCAGGTGCTCCAGGG[G>A]CTTCATGTTCTCGTCGAAGTAGATGTCCATGGTAAGGGATGTGTCTGTGTCGTGGGCGGA-3'
Protein context (NP_000350.1, residues 413-433): MDIYFDENMK[Pro423Ser]LEHLNHDSVW

ClinVar aggregate classification (germline): Uncertain significance (1 of 4 stars; one submission).

gnomAD v4.1: 4 of 1,614,178 alleles (0.00025%); highest among the groups gnomAD compares: Non-Finnish European, 0.00034%; no homozygotes.

Submission:

Labcorp Genetics (formerly Invitae), Labcorp
Classification: Uncertain significance. Last evaluated: 2025-10-27. Review status: criteria provided, single submitter. Criteria: Invitae Variant Classification Sherloc (09022015). Collection method: clinical testing. Allele origin: germline.
Comment: This sequence change replaces proline, which is neutral and non-polar, with serine, which is neutral and polar, at codon 423 of the TGM1 protein (p.Pro423Ser). This variant is present in population databases (rs763095024, gnomAD 0.0009%). This missense change has been observed in individual(s) with clinical features of congenital ichthyosis (internal data). In at least one individual the data is consistent with being in trans (on the opposite chromosome) from a pathogenic variant. Invitae Evidence Modeling of protein sequence and biophysical properties (such as structural, functional, and spatial information, amino acid conservation, physicochemical variation, residue mobility, and thermodynamic stability) has been performed for this missense variant. However, the output from this modeling did not meet the statistical confidence thresholds required to predict the impact of this variant on TGM1 protein function. In summary, the available evidence is currently insufficient to determine the role of this variant in disease. Therefore, it has been classified as a Variant of Uncertain Significance.